The following is an entry in ClinVar:

ClinVar aggregate classification (germline): Uncertain significance (1 of 4 stars; one submission).

Conditions:
Ataxia-telangiectasia syndrome (AT). Also called: Ataxia-telangiectasia, complementation group D; AT, COMPLEMENTATION GROUP C; Ataxia-telangiectasia; Ataxia telangiectasia (A-T); LOUIS-BAR SYNDROME; Cerebello-oculocutaneous telangiectasia. Identifiers: Orphanet 100, MedGen C0004135, MONDO:0008840, OMIM 208900.

Submission:

Labcorp Genetics (formerly Invitae), Labcorp
Classification: Uncertain significance for Ataxia-telangiectasia syndrome. Last evaluated: 2025-04-27. Review status: criteria provided, single submitter. Criteria: Invitae Variant Classification Sherloc (09022015). Collection method: clinical testing. Allele origin: germline.
Comment: This sequence change replaces arginine, which is basic and polar, with serine, which is neutral and polar, at codon 189 of the ATM protein (p.Arg189Ser). This variant is not present in population databases (gnomAD no frequency). This variant has not been reported in the literature in individuals affected with ATM-related conditions. Invitae Evidence Modeling of protein sequence and biophysical properties (such as structural, functional, and spatial information, amino acid conservation, physicochemical variation, residue mobility, and thermodynamic stability) indicates that this missense variant is not expected to disrupt ATM protein function with a negative predictive value of 95%. In summary, the available evidence is currently insufficient to determine the role of this variant in disease. Therefore, it has been classified as a Variant of Uncertain Significance.

NM_000051.4(ATM):c.567A>C (p.Arg189Ser)

Gene: ATM (ATM serine/threonine kinase; plus strand). Cytogenetic location: 11q22.3.
Variant type: single nucleotide variant.
Coding change: c.567A>C on transcript NM_000051.4 (MANE Select); coding-DNA position 567, A replaced by C.
Protein change: p.Arg189Ser; replaces arginine 189 with serine.
Molecular consequence: missense variant.
Genome position (GRCh38, 1-based): chr11:108,244,023, A>C. VCF-style: chr11-108244023-A-C. GRCh37 (hg19) VCF-style: chr11-108114750-A-C.
Other names: c.567A>C, p.Arg189Ser (NM_001351834.2); short protein forms R189S.
Identifiers: ClinVar variation 4747161 (VCV004747161.1).
Genomic context (GRCh38, chr11:108,244,023, plus strand): 5'-TGTGTACTTCAGGCTCTATCTGAAACCTTCACAAGATGTTCATAGAGTTTTAGTGGCTAG[A>C]ATAATTCATGCTGTTACCAAAGGATGCTGTTCTCAGACTGACGGATTAAATTCCAAATTT-3'
Protein context (NP_000042.3, residues 179-199): SQDVHRVLVA[Arg189Ser]IIHAVTKGCC